The following is an entry in ClinVar:

NM_015294.6(TRIM37):c.937del (p.Tyr313fs)

Gene: TRIM37 (tripartite motif containing 37; minus strand). Cytogenetic location: 17q22.
Variant type: Deletion.
Coding change: c.937del on transcript NM_015294.6 (MANE Select); coding-DNA position 937, one base deleted (T; older notation c.937delT).
Protein change: p.Tyr313fs; shifts the reading frame from tyrosine 313.
Molecular consequence: frameshift variant. On other transcripts: non-coding transcript variant (2).
Genome position (GRCh38, 1-based): chr17:59,062,572, A deleted on the plus strand (T on the coding strand, the reverse complement: TRIM37 is on the minus strand); the first of 3 consecutive A bases (chr17:59,062,572-59,062,574); deleting any one gives the same sequence. VCF-style (leftmost placement, unchanged base first): chr17-59062571-TA-T. GRCh37 (hg19) VCF-style: chr17-57139932-TA-T.
Other names: c.937del, p.Tyr313fs (NM_001005207.5, NM_001320988.3, NM_001320989.3 and 1 more transcripts); c.835del, p.Tyr279fs (NM_001320987.3, NM_001353082.2); c.571del, p.Tyr191fs (NM_001320990.3); c.202del, p.Tyr68fs (NM_001353083.2); c.475del, p.Tyr159fs (NM_001353085.2); c.886del, p.Tyr296fs (NM_001353086.2); c.937delT (NM_015294.4); short protein forms Y159fs, Y191fs, Y279fs, Y296fs, Y313fs, Y68fs.
Identifiers: ClinVar variation 2679254 (VCV002679254.7), dbSNP rs1484570929, ClinGen allele CA773551693.

ClinVar aggregate classification (germline): Pathogenic/Likely pathogenic. Review status: criteria provided, multiple submitters, no conflicts (2 of 4 stars). 4 submissions from 4 submitters: Pathogenic (1); Likely pathogenic (3). Last evaluated 2026-02-10.

Conditions:
TRIM37-related disorder. Also called: TRIM37-related condition.
Mulibrey nanism syndrome. Also called: PERHEENTUPA SYNDROME; PERICARDIAL CONSTRICTION AND GROWTH FAILURE; MUSCLE-LIVER-BRAIN-EYE NANISM. Identifiers: Orphanet 2576, MedGen C0524582, MONDO:0009664, OMIM 253250.

Submissions (4):

PreventionGenetics, part of Exact Sciences
Classification: Likely pathogenic for TRIM37-related condition. Last evaluated: 2026-02-10. Review status: criteria provided, single submitter. Criteria: ACMG Guidelines, 2015. Collection method: clinical testing. Allele origin: germline.
Comment: The TRIM37 c.937delT variant is predicted to result in a frameshift and premature protein termination (p.Tyr313Thrfs*33). To our knowledge, this variant has not been reported in the literature or in a large population database, indicating this variant is rare. Frameshift variants in TRIM37 are expected to be pathogenic. This variant is interpreted as likely pathogenic.

Baylor Genetics
Classification: Likely pathogenic for Mulibrey nanism syndrome. Last evaluated: 2024-03-27. Review status: criteria provided, single submitter. Criteria: ACMG Guidelines, 2015. Collection method: clinical testing. Allele origin: unknown.

Labcorp Genetics (formerly Invitae), Labcorp
Classification: Pathogenic. Last evaluated: 2023-11-02. Review status: criteria provided, single submitter. Criteria: Invitae Variant Classification Sherloc (09022015). Collection method: clinical testing. Allele origin: germline.
Comment: This sequence change creates a premature translational stop signal (p.Tyr313Thrfs*33) in the TRIM37 gene. It is expected to result in an absent or disrupted protein product. Loss-of-function variants in TRIM37 are known to be pathogenic (PMID: 10888877, 15108285). This variant is not present in population databases (gnomAD no frequency). This variant has not been reported in the literature in individuals affected with TRIM37-related conditions. For these reasons, this variant has been classified as Pathogenic.

Blueprint Genetics
Classification: Likely pathogenic for TRIM37-related disorders. Last evaluated: 2021-10-08. Review status: criteria provided, single submitter. Criteria: ACMG Guidelines, 2015. Collection method: clinical testing. Allele origin: germline. Affected: yes. Observed: 1 variant allele.

Literature cited by the submitters: PubMed 10888877 (cited by Labcorp Genetics (formerly Invitae), Labcorp); PubMed 15108285 (cited by Labcorp Genetics (formerly Invitae), Labcorp).